The following is an entry in ClinVar:

NM_025114.4(CEP290):c.4704+1G>A

Gene: CEP290 (centrosomal protein 290; minus strand). Cytogenetic location: 12q21.32.
Variant type: single nucleotide variant.
Coding change: c.4704+1G>A on transcript NM_025114.4 (MANE Select); the canonical splice donor site of the intron after coding-DNA position 4704, G replaced by A.
Molecular consequence: splice donor variant.
Genome position (GRCh38, 1-based): chr12:88,084,585, C>T on the plus strand (G>A on the coding strand, the complement: CEP290 is on the minus strand). VCF-style: chr12-88084585-C-T. GRCh37 (hg19) VCF-style: chr12-88478362-C-T.
Identifiers: ClinVar variation 2946458 (VCV002946458.3), dbSNP rs1565835538, ClinGen allele CA385994326.
Genomic context (GRCh38, chr12:88,084,585, plus strand): 5'-ATTTAGCATTTGCTTAAAAAAACTAATGGATAACAGCATAACTCATAATATAATAAAATA[C>T]CTCTCTGGCTTTTTCTAGAAGACGTTGATACTTCTTTAATACTTCTTCTTTTTGATTTAA-3'

ClinVar aggregate classification (germline): Likely pathogenic (1 of 4 stars; one submission).

Conditions:
Joubert syndrome. Also called: CEREBELLOPARENCHYMAL DISORDER IV; JOUBERT-BOLTSHAUSER SYNDROME; Familial aplasia of the vermis. Identifiers: Orphanet 475, MedGen C5979921, MONDO:0018772.
Nephronophthisis. Also called: Juvenile Nephronophthisis. Identifiers: Orphanet 655, MedGen C0687120, MONDO:0019005, HP:0000090.
Meckel-Gruber syndrome. Also called: DYSENCEPHALIA SPLANCHNOCYSTICA; GRUBER SYNDROME; Dysencephalia splachnocystica. Identifiers: Orphanet 564, MedGen C0265215, MONDO:0018921.

Submission:

Labcorp Genetics (formerly Invitae), Labcorp
Classification: Likely pathogenic for Joubert syndrome; Meckel-Gruber syndrome; Nephronophthisis. Last evaluated: 2023-04-09. Review status: criteria provided, single submitter. Criteria: Invitae Variant Classification Sherloc (09022015). Collection method: clinical testing. Allele origin: germline.
Comment: In summary, the currently available evidence indicates that the variant is pathogenic, but additional data are needed to prove that conclusively. Therefore, this variant has been classified as Likely Pathogenic. Algorithms developed to predict the effect of sequence changes on RNA splicing suggest that this variant may disrupt the consensus splice site. This variant has not been reported in the literature in individuals affected with CEP290-related conditions. This variant is not present in population databases (gnomAD no frequency). This sequence change affects a donor splice site in intron 35 of the CEP290 gene. It is expected to disrupt RNA splicing. Variants that disrupt the donor or acceptor splice site typically lead to a loss of protein function (PMID: 16199547), and loss-of-function variants in CEP290 are known to be pathogenic (PMID: 16909394, 17345604, 20690115).

Literature cited by the submitters: PubMed 16199547; PubMed 16909394; PubMed 17345604; PubMed 20690115.